The following is an entry in ClinVar:

NM_006514.4(SCN10A):c.1348T>G (p.Leu450Val)

Gene: SCN10A (sodium voltage-gated channel alpha subunit 10; minus strand). Cytogenetic location: 3p22.2.
Variant type: single nucleotide variant.
Coding change: c.1348T>G on transcript NM_006514.4 (MANE Select); coding-DNA position 1348, T replaced by G.
Protein change: p.Leu450Val; replaces leucine 450 with valine.
Molecular consequence: missense variant.
Genome position (GRCh38, 1-based): chr3:38,755,901, A>C on the plus strand (T>G on the coding strand, the complement: SCN10A is on the minus strand). VCF-style: chr3-38755901-A-C. GRCh37 (hg19) VCF-style: chr3-38797392-A-C.
Other names: c.1348T>G, p.Leu450Val (NM_001293306.2, NM_001293307.2); short protein forms L450V.
Identifiers: ClinVar variation 3648270 (VCV003648270.2).

ClinVar aggregate classification (germline): Uncertain significance (1 of 4 stars; one submission).

Conditions:
Brugada syndrome. Also called: Sudden Unexplained Death Syndrome; Sudden Unexplained Nocturnal Death Syndrome (SUNDS); Sudden unexpected nocturnal death syndrome; Sudden unexplained nocturnal death syndrome. Identifiers: Orphanet 130, MedGen C1142166, MONDO:0015263.

Submission:

Labcorp Genetics (formerly Invitae), Labcorp
Classification: Uncertain significance for Brugada syndrome. Last evaluated: 2024-03-31. Review status: criteria provided, single submitter. Criteria: Invitae Variant Classification Sherloc (09022015). Collection method: clinical testing. Allele origin: germline.
Comment: This sequence change replaces leucine, which is neutral and non-polar, with valine, which is neutral and non-polar, at codon 450 of the SCN10A protein (p.Leu450Val). This variant is not present in population databases (gnomAD no frequency). This variant has not been reported in the literature in individuals affected with SCN10A-related conditions. Advanced modeling of protein sequence and biophysical properties (such as structural, functional, and spatial information, amino acid conservation, physicochemical variation, residue mobility, and thermodynamic stability) performed at Invitae indicates that this missense variant is not expected to disrupt SCN10A protein function with a negative predictive value of 80%. In summary, the available evidence is currently insufficient to determine the role of this variant in disease. Therefore, it has been classified as a Variant of Uncertain Significance.